The following is an entry in ClinVar:

ClinVar aggregate classification (germline): Pathogenic/Likely pathogenic. Review status: criteria provided, multiple submitters, no conflicts (2 of 4 stars). 5 submissions from 5 submitters: Pathogenic (2); Likely pathogenic (3). Last evaluated 2025-12-11.

Conditions:
MYBPC3-related disorder. Also called: MYBPC3-related condition; MYBPC3-related disease; MYBPC3-related disorders.
Hypertrophic cardiomyopathy 4. Also called: Familial hypertrophic cardiomyopathy 4. Identifiers: MedGen C1861862, MONDO:0007268, OMIM 115197.
Hypertrophic cardiomyopathy. Also called: HYPERTROPHIC MYOCARDIOPATHY. Identifiers: Orphanet 217569, MedGen C0007194, MeSH D002312, MONDO:0005045, HP:0001639.

Submissions (5):

Medical and Scientific Branch, Hong Kong Genome Institute
Classification: Likely pathogenic for Hypertrophic cardiomyopathy 4. Last evaluated: 2025-12-11. Review status: criteria provided, single submitter. Criteria: ACMG Guidelines, 2015. Collection method: clinical testing. Allele origin: germline. Affected: yes.

Labcorp Genetics (formerly Invitae), Labcorp
Classification: Pathogenic for Hypertrophic cardiomyopathy. Last evaluated: 2023-08-07. Review status: criteria provided, single submitter. Criteria: Invitae Variant Classification Sherloc (09022015). Collection method: clinical testing. Allele origin: germline.
Comment: This variant is not present in population databases (gnomAD no frequency). This premature translational stop signal has been observed in individual(s) with hypertrophic cardiomyopathy (PMID: 30586709, 32815737). ClinVar contains an entry for this variant (Variation ID: 181096). For these reasons, this variant has been classified as Pathogenic. This sequence change creates a premature translational stop signal (p.Arg1073Profs*4) in the MYBPC3 gene. It is expected to result in an absent or disrupted protein product. Loss-of-function variants in MYBPC3 are known to be pathogenic (PMID: 19574547).

Blueprint Genetics
Classification: Likely pathogenic for MYBPC3-related disorders. Last evaluated: 2018-10-09. Review status: criteria provided, single submitter. Criteria: ACMG Guidelines, 2015. Collection method: clinical testing. Allele origin: germline. Affected: yes. Observed: 1 variant allele.

Laboratory for Molecular Medicine, Mass General Brigham Personalized Medicine
Classification: Pathogenic for Hypertrophic cardiomyopathy. Last evaluated: 2016-08-10. Review status: criteria provided, single submitter. Criteria: LMM Criteria. Collection method: clinical testing. Allele origin: germline. Observed: 1 variant allele.
Comment: The p.Arg1073fs variant in MYBPC3 has not been previously reported in individual s with cardiomyopathy. Data from large population studies is insufficient to ass ess the frequency of this variant. This variant is predicted to cause a frameshi ft, which alters the protein?s amino acid sequence beginning at position 1073 an d leads to a premature termination codon 4 amino acids downstream. This alterati on is then predicted to lead to a truncated or absent protein. Heterozygous loss of function of the MYBPC3 gene is an established disease mechanism in individua ls with HCM. In summary, this variant meets our criteria to be classified as pat hogenic for HCM in an autosomal dominant manner based upon the predicted impact of the variant.

Stanford Center for Inherited Cardiovascular Disease, Stanford University
Classification: Likely pathogenic. Last evaluated: 2012-08-17. Review status: criteria provided, single submitter. Criteria: ACMG Guidelines, 2015. Collection method: provider interpretation. Allele origin: germline.

Literature cited by the submitters: PubMed 30586709 (cited by Labcorp Genetics (formerly Invitae), Labcorp); PubMed 32815737 (cited by Labcorp Genetics (formerly Invitae), Labcorp); PubMed 19574547 (cited by Labcorp Genetics (formerly Invitae), Labcorp).

NM_000256.3(MYBPC3):c.3217dupC

Gene: MYBPC3 (myosin binding protein C3; minus strand). Cytogenetic location: 11p11.2.
Variant type: Duplication.
Coding change: c.3217dupC on transcript NM_000256.3 (MANE Select); coding-DNA position 3217, one base duplicated (C).
Genome position (GRCh38, 1-based): chr11:47,333,307, G duplicated on the plus strand (C on the coding strand, the reverse complement: MYBPC3 is on the minus strand); the first of 2 consecutive G bases (chr11:47,333,307-47,333,308); duplicating either gives the same sequence. VCF-style (leftmost placement, unchanged base first): chr11-47333306-C-CG. GRCh37 (hg19) VCF-style: chr11-47354857-C-CG.
Other names: NM_000256.3:c.3217_3218insC; p.Arg1073ProfsX4; c.3217dup, p.Arg1073fs (LRG_386t1).
Identifiers: ClinVar variation 181096 (VCV000181096.11), dbSNP rs730880668, ClinGen allele CA296433.